The following is an entry in ClinVar:

ClinVar aggregate classification (germline): Uncertain significance. Review status: criteria provided, single submitter (1 of 4 stars). 2 submissions from 2 submitters: Uncertain significance (1). 1 of the submissions does not count toward it. Last evaluated 2021-08-27.

Conditions:
Congenital myasthenic syndrome 4A. Also called: Myasthenic syndrome, congenital, 4a, slow-channel; MYASTHENIC SYNDROME, CONGENITAL, 4A, SLOW-CHANNEL, AUTOSOMAL RECESSIVE; CONGENITAL MYASTHENIC SYNDROME TYPE Ia1. Identifiers: Orphanet 590, MedGen C4225413, MONDO:0011600, OMIM 605809.
Congenital myasthenic syndrome (CMS). Also called: Congenital Myasthenic Syndromes. Identifiers: Orphanet 590, MedGen C0751882, MeSH D020294, MONDO:0018940.

Allele frequency attached by ClinVar (database versions not stated): gnomAD 0.00001 and 0.00003; gnomAD exomes 0.00002 and 0.00005; TOPMed 0.00002; ExAC 0.00005.
gnomAD v4.1: 37 of 1,610,972 alleles (0.0023%); highest among the groups gnomAD compares: Middle Eastern, 0.033%; 2 homozygotes.

Submissions (2):

Labcorp Genetics (formerly Invitae), Labcorp
Classification: Uncertain significance for Congenital myasthenic syndrome 4A. Last evaluated: 2021-08-27. Review status: criteria provided, single submitter. Criteria: Invitae Variant Classification Sherloc (09022015). Collection method: clinical testing. Allele origin: germline.
Comment: This sequence change replaces isoleucine with valine at codon 491 of the CHRNE protein (p.Ile491Val). The isoleucine residue is weakly conserved and there is a small physicochemical difference between isoleucine and valine. This variant is present in population databases (rs753512613, ExAC 0.02%). This variant has not been reported in the literature in individuals affected with CHRNE-related conditions. Algorithms developed to predict the effect of missense changes on protein structure and function output the following: SIFT: "Tolerated"; PolyPhen-2: "Benign"; Align-GVGD: "Class C0". The valine amino acid residue is found in multiple mammalian species, which suggests that this missense change does not adversely affect protein function. In summary, the available evidence is currently insufficient to determine the role of this variant in disease. Therefore, it has been classified as a Variant of Uncertain Significance.

Natera, Inc.
Classification: Uncertain significance for Congenital myasthenic syndrome. Last evaluated: 2020-02-13. Review status: no assertion criteria provided. Collection method: clinical testing. Allele origin: germline. Not counted in ClinVar's aggregate classification.

NM_000080.4(CHRNE):c.1471A>G (p.Ile491Val)

Gene: CHRNE (cholinergic receptor nicotinic epsilon subunit; minus strand). Cytogenetic location: 17p13.2.
Variant type: single nucleotide variant.
Coding change: c.1471A>G on transcript NM_000080.4 (MANE Select); coding-DNA position 1471, A replaced by G.
Protein change: p.Ile491Val; replaces isoleucine 491 with valine.
Molecular consequence: missense variant.
Genome position (GRCh38, 1-based): chr17:4,898,747, T>C on the plus strand (A>G on the coding strand, the complement: CHRNE is on the minus strand). VCF-style: chr17-4898747-T-C. GRCh37 (hg19) VCF-style: chr17-4802042-T-C.
Other names: short protein forms I491V.
Identifiers: ClinVar variation 949973 (VCV000949973.4), dbSNP rs753512613, ClinGen allele CA8313806.
Genomic context (GRCh38, chr17:4,898,747, plus strand): 5'-AAAATCAATTTCCTACTGGAGATGGGTGGGAAATTGAAGTCGGTGCGAGCTAAGGCTGGA[T>C]ACACGGCGCGTAGGGGAGATCAGGCACTCGGTTGAAGTAGGCCCCGAGGAAGATGAGGCT-3'
Protein context (NP_000071.1, residues 481-493): RVPDLPYAPC[Ile491Val]QP